The following is an entry in ClinVar:

ClinVar aggregate classification (germline): Benign/Likely benign. Review status: criteria provided, multiple submitters, no conflicts (2 of 4 stars). 3 submissions from 3 submitters: Benign (1); Likely benign (2). Last evaluated 2025-04-09.

Conditions:
Hereditary cancer-predisposing syndrome. Also called: Neoplastic Syndromes, Hereditary; Hereditary neoplastic syndrome; Tumor predisposition; Hereditary Cancer Syndrome. Identifiers: Orphanet 140162, MedGen C0027672, MeSH D009386, MONDO:0015356.
Tuberous sclerosis 1 (TSC1). Identifiers: Orphanet 805, MedGen C1854465, MONDO:0008612, OMIM 191100.

Allele frequency attached by ClinVar (database versions not stated): gnomAD exomes below 0.00001.
gnomAD v4.1: 1 of 1,613,560 alleles (0.000062%); highest among the groups gnomAD compares: Non-Finnish European, 0.000085%; no homozygotes.

Submissions (3):

Myriad Genetics, Inc.
Classification: Benign for Tuberous sclerosis 1. Last evaluated: 2025-04-09. Review status: criteria provided, single submitter. Criteria: Myriad Autosomal Dominant, Autosomal Recessive and X-Linked Classification Criteria (2023). Collection method: clinical testing. Allele origin: unknown.
Comment: This variant is considered benign. This variant is a silent/synonymous amino acid change and it is not expected to impact splicing.

Ambry Genetics
Classification: Likely benign for Hereditary cancer-predisposing syndrome. Last evaluated: 2024-09-15. Review status: criteria provided, single submitter. Criteria: Ambry Variant Classification Scheme 2023. Collection method: clinical testing. Allele origin: germline.

Labcorp Genetics (formerly Invitae), Labcorp
Classification: Likely benign for Tuberous sclerosis 1. Last evaluated: 2020-12-25. Review status: criteria provided, single submitter. Criteria: Invitae Variant Classification Sherloc (09022015). Collection method: clinical testing. Allele origin: germline.

NM_000368.5(TSC1):c.1467C>T (p.Ile489=)

Gene: TSC1 (TSC complex subunit 1; minus strand). Cytogenetic location: 9q34.13.
Variant type: single nucleotide variant.
Coding change: c.1467C>T on transcript NM_000368.5 (MANE Select); coding-DNA position 1467, C replaced by T.
Protein change: p.Ile489=; no amino-acid change (isoleucine 489 retained).
Molecular consequence: synonymous variant.
Genome position (GRCh38, 1-based): chr9:132,906,111, G>A on the plus strand (C>T on the coding strand, the complement: TSC1 is on the minus strand). VCF-style: chr9-132906111-G-A. GRCh37 (hg19) VCF-style: chr9-135781498-G-A.
Other names: c.1464C>T, p.Ile488= (NM_001162426.2); c.1314C>T, p.Ile438= (NM_001162427.2); c.1104C>T, p.Ile368= (NM_001362177.2); c.1467C>T (NM_000368.4).
Identifiers: ClinVar variation 1622172 (VCV001622172.10), dbSNP rs2131849203, ClinGen allele CA467591210.